The following is an entry in ClinVar:

NM_153026.3(PRICKLE1):c.1413_1414delinsTC (p.Met471_Tyr472delinsIleHis)

Gene: PRICKLE1 (prickle planar cell polarity protein 1; minus strand). Cytogenetic location: 12q12.
Variant type: Indel.
Coding change: c.1413_1414delinsTC on transcript NM_153026.3 (MANE Select); coding-DNA positions 1413 to 1414, GT replaced by TC.
Protein change: p.Met471_Tyr472delinsIleHis.
Molecular consequence: missense variant.
Genome position (GRCh38, 1-based): chr12:42,464,620-42,464,621, AC replaced by GA on the plus strand (GT replaced by TC on the coding strand, the reverse complement: PRICKLE1 is on the minus strand). VCF-style: chr12-42464620-AC-GA. GRCh37 (hg19) VCF-style: chr12-42858422-AC-GA.
Other names: c.1413_1414delinsTC, p.Met471_Tyr472delinsIleHis (NM_001144881.2, NM_001144882.2, NM_001144883.2).
Identifiers: ClinVar variation 410635 (VCV000410635.7), dbSNP rs1060502985, ClinGen allele CA16614009.

ClinVar aggregate classification (germline): Uncertain significance (1 of 4 stars; one submission).

Conditions:
Epilepsy, progressive myoclonic, 1B. Also called: PME. Identifiers: Orphanet 308, MedGen C2676254, MONDO:0012904, OMIM 612437.

Submission:

Labcorp Genetics (formerly Invitae), Labcorp
Classification: Uncertain significance for Epilepsy, progressive myoclonic, 1B. Last evaluated: 2016-10-15. Review status: criteria provided, single submitter. Criteria: Invitae Variant Classification Sherloc (09022015). Collection method: clinical testing. Allele origin: germline.
Comment: In summary, this variant is a novel complex sequence change with uncertain impact on protein function. It has been classified as a Variant of Uncertain Significance. Experimental studies and prediction algorithms are not available for this variant, and the functional significance of these adjacent missense changes is currently unknown. This variant is not present in population databases (ExAC no frequency) and has not been reported in the literature in individuals with a PRICKLE1-related disease. This variant, c.1413_1414delGTinsTC, is a complex sequence change of the PRICKLE1 protein that replaces methionine at codon 471 with isoleucine and tyrosine at codon 472 with histidine (p.Met471_Tyr472delinsIleHis). The methionine residue is highly conserved and there is a small physicochemical difference between methionine and isoleucine. They tyrosine residue is also highly conserved and there is a moderate physiochemical difference between tyrosine and histidine.